The following is an entry in ClinVar:

ClinVar aggregate classification (germline): Uncertain significance. Review status: criteria provided, multiple submitters, no conflicts (2 of 4 stars). 2 submissions from 2 submitters: Uncertain significance (2). Last evaluated 2025-10-20.

Conditions:
Developmental and epileptic encephalopathy, 11 (DEE11). Also called: Early infantile epileptic encephalopathy 11. Identifiers: Orphanet 1934, MedGen C3150987, MONDO:0013388, OMIM 613721.
Seizures, benign familial infantile, 3 (BFIS3). Also called: CONVULSIONS, BENIGN FAMILIAL INFANTILE, 3; Familial neonatal seizures. Identifiers: Orphanet 140927, Orphanet 306, MedGen C1843140, MONDO:0011904, OMIM 607745.

Allele frequency attached by ClinVar (database versions not stated): gnomAD exomes below 0.00001; TOPMed below 0.00001; gnomAD 0.00001.
gnomAD v4.1: 7 of 1,609,044 alleles (0.00044%); highest among the groups gnomAD compares: African/African-American, 0.0013%; no homozygotes.

Submissions (2):

GeneDx
Classification: Uncertain significance. Last evaluated: 2025-10-20. Review status: criteria provided, single submitter. Criteria: GeneDx Variant Classification Process June 2021. Collection method: clinical testing. Allele origin: germline. Affected: yes.
Comment: Not observed at significant frequency in large population cohorts (gnomAD); In silico analysis supports that this missense variant has a deleterious effect on protein structure/function; Has not been previously published as pathogenic or benign to our knowledge; This substitution is predicted to be within the N-terminal cytoplasmic domain.

Labcorp Genetics (formerly Invitae), Labcorp
Classification: Uncertain significance for Seizures, benign familial infantile, 3; Developmental and epileptic encephalopathy, 11. Last evaluated: 2023-07-03. Review status: criteria provided, single submitter. Criteria: Invitae Variant Classification Sherloc (09022015). Collection method: clinical testing. Allele origin: germline.
Comment: In summary, the available evidence is currently insufficient to determine the role of this variant in disease. Therefore, it has been classified as a Variant of Uncertain Significance. Advanced modeling of protein sequence and biophysical properties (such as structural, functional, and spatial information, amino acid conservation, physicochemical variation, residue mobility, and thermodynamic stability) performed at Invitae indicates that this missense variant is expected to disrupt SCN2A protein function. ClinVar contains an entry for this variant (Variation ID: 1010462). This variant has not been reported in the literature in individuals affected with SCN2A-related conditions. This variant is present in population databases (no rsID available, gnomAD 0.0009%). This sequence change replaces asparagine, which is neutral and polar, with serine, which is neutral and polar, at codon 116 of the SCN2A protein (p.Asn116Ser).

NM_001040142.2(SCN2A):c.347A>G (p.Asn116Ser)

Gene: SCN2A (sodium voltage-gated channel alpha subunit 2; plus strand). Cytogenetic location: 2q24.3.
Variant type: single nucleotide variant.
Coding change: c.347A>G on transcript NM_001040142.2 (MANE Select); coding-DNA position 347, A replaced by G.
Protein change: p.Asn116Ser; replaces asparagine 116 with serine.
Molecular consequence: missense variant.
Genome position (GRCh38, 1-based): chr2:165,297,096, A>G. VCF-style: chr2-165297096-A-G. GRCh37 (hg19) VCF-style: chr2-166153606-A-G.
Other names: c.347A>G, p.Asn116Ser (NM_001040143.2, NM_001371246.1, NM_001371247.1 and 1 more transcripts); c.347A>G (NM_021007.2); short protein forms N116S.
Identifiers: ClinVar variation 1010462 (VCV001010462.9), dbSNP rs1173773190, ClinGen allele CA349011765.